The following is an entry in ClinVar:

ClinVar aggregate classification (germline): Uncertain significance (1 of 4 stars; one submission).

Allele frequency attached by ClinVar (database versions not stated): gnomAD 0.00001; ExAC 0.00001; gnomAD exomes 0.00001.

Submission:

Labcorp Genetics (formerly Invitae), Labcorp
Classification: Uncertain significance. Last evaluated: 2020-05-06. Review status: criteria provided, single submitter. Criteria: Invitae Variant Classification Sherloc (09022015). Collection method: clinical testing. Allele origin: germline.
Comment: This sequence change replaces isoleucine with threonine at codon 380 of the WHRN protein (p.Ile380Thr). The isoleucine residue is moderately conserved and there is a moderate physicochemical difference between isoleucine and threonine. This variant is present in population databases (rs756328473, ExAC 0.009%). Algorithms developed to predict the effect of missense changes on protein structure and function (SIFT, PolyPhen-2, Align-GVGD) all suggest that this variant is likely to be tolerated, but these predictions have not been confirmed by published functional studies and their clinical significance is uncertain. This variant has not been reported in the literature in individuals with WHRN-related conditions. In summary, the available evidence is currently insufficient to determine the role of this variant in disease. Therefore, it has been classified as a Variant of Uncertain Significance.

NM_015404.4(WHRN):c.1139T>C (p.Ile380Thr)

Gene: WHRN (whirlin; minus strand). Cytogenetic location: 9q32.
Variant type: single nucleotide variant.
Coding change: c.1139T>C on transcript NM_015404.4 (MANE Select); coding-DNA position 1139, T replaced by C.
Protein change: p.Ile380Thr; replaces isoleucine 380 with threonine.
Molecular consequence: missense variant. On other transcripts: 5 prime UTR variant (1).
Genome position (GRCh38, 1-based): chr9:114,426,238, A>G on the plus strand (T>C on the coding strand, the complement: WHRN is on the minus strand). VCF-style: chr9-114426238-A-G. GRCh37 (hg19) VCF-style: chr9-117188518-A-G.
Other names: c.-11T>C (NM_001083885.3); c.1139T>C, p.Ile380Thr (NM_001173425.2); short protein forms I380T.
Identifiers: ClinVar variation 1047825 (VCV001047825.7), dbSNP rs756328473, ClinGen allele CA5206073.
Genomic context (GRCh38, chr9:114,426,238, plus strand): 5'-GTCTGGAGATTGGAGCGAGCAGAGTGGCCAGACCCTGCCGAGTTCGCCATGGTCTCCCTG[A>G]TCCGGGAACTGGCGATCCACTTGGTCTCGTCCACAGTGGTGCGGGCATGGGGCAGCCTCC-3'
Protein context (NP_056219.3, residues 370-390): DETKWIASSR[Ile380Thr]RETMANSAGF